The following is an entry in ClinVar:

NM_000350.3(ABCA4):c.2587G>A (p.Gly863Arg)

Gene: ABCA4 (ATP binding cassette subfamily A member 4; minus strand). Cytogenetic location: 1p22.1.
Variant type: single nucleotide variant.
Coding change: c.2587G>A on transcript NM_000350.3 (MANE Select); coding-DNA position 2587, G replaced by A.
Protein change: p.Gly863Arg; replaces glycine 863 with arginine.
Molecular consequence: missense variant.
Genome position (GRCh38, 1-based): chr1:94,055,111, C>T on the plus strand (G>A on the coding strand, the complement: ABCA4 is on the minus strand). VCF-style: chr1-94055111-C-T. GRCh37 (hg19) VCF-style: chr1-94520667-C-T.
Other names: c.2365G>A, p.Gly789Arg (NM_001425324.1); short protein forms G863R, G789R.
Identifiers: ClinVar variation 1494248 (VCV001494248.5), dbSNP rs1660936469, ClinGen allele CA341276773.

ClinVar aggregate classification (germline): Uncertain significance (1 of 4 stars; one submission).

Allele frequency attached by ClinVar (database versions not stated): TOPMed 0.00001.

Submission:

Labcorp Genetics (formerly Invitae), Labcorp
Classification: Uncertain significance. Last evaluated: 2021-08-28. Review status: criteria provided, single submitter. Criteria: Invitae Variant Classification Sherloc (09022015). Collection method: clinical testing. Allele origin: germline.
Comment: This sequence change replaces glycine with arginine at codon 863 of the ABCA4 protein (p.Gly863Arg). The glycine residue is highly conserved and there is a moderate physicochemical difference between glycine and arginine. This variant also falls at the last nucleotide of exon 16, which is part of the consensus splice site for this exon. This variant is not present in population databases (ExAC no frequency). This variant has not been reported in the literature in individuals affected with ABCA4-related conditions. Algorithms developed to predict the effect of missense changes on protein structure and function (SIFT, PolyPhen-2, Align-GVGD) all suggest that this variant is likely to be disruptive. Variants that disrupt the consensus splice site are a relatively common cause of aberrant splicing (PMID: 17576681, 9536098). Algorithms developed to predict the effect of sequence changes on RNA splicing suggest that this variant may disrupt the consensus splice site. In summary, the available evidence is currently insufficient to determine the role of this variant in disease. Therefore, it has been classified as a Variant of Uncertain Significance.

Literature cited by the submitters: PubMed 17576681; PubMed 9536098.